The following is an entry in ClinVar:

NM_006231.4(POLE):c.2939A>G (p.Gln980Arg)

Gene: POLE (DNA polymerase epsilon, catalytic subunit; minus strand). Cytogenetic location: 12q24.33.
Variant type: single nucleotide variant.
Coding change: c.2939A>G on transcript NM_006231.4 (MANE Select); coding-DNA position 2939, A replaced by G.
Protein change: p.Gln980Arg; replaces glutamine 980 with arginine.
Molecular consequence: missense variant.
Genome position (GRCh38, 1-based): chr12:132,661,090, T>C on the plus strand (A>G on the coding strand, the complement: POLE is on the minus strand). VCF-style: chr12-132661090-T-C. GRCh37 (hg19) VCF-style: chr12-133237676-T-C.
Other names: short protein forms Q980R.
Identifiers: ClinVar variation 3781494 (VCV003781494.1).

ClinVar aggregate classification (germline): Uncertain significance (1 of 4 stars; one submission).

Conditions:
Hereditary cancer-predisposing syndrome. Also called: Neoplastic Syndromes, Hereditary; Hereditary Cancer Syndrome; Tumor predisposition; Hereditary neoplastic syndrome. Identifiers: Orphanet 140162, MedGen C0027672, MeSH D009386, MONDO:0015356.

gnomAD v4.1: 7 of 1,613,550 alleles (0.00043%); highest among the groups gnomAD compares: Non-Finnish European, 0.00059%; no homozygotes.

Submission:

Ambry Genetics
Classification: Uncertain significance for Hereditary cancer-predisposing syndrome. Last evaluated: 2025-01-30. Review status: criteria provided, single submitter. Criteria: Ambry Variant Classification Scheme 2023. Collection method: clinical testing. Allele origin: germline.
Comment: The p.Q980R variant (also known as c.2939A>G), located in coding exon 25 of the POLE gene, results from an A to G substitution at nucleotide position 2939. The glutamine at codon 980 is replaced by arginine, an amino acid with highly similar properties. This amino acid position is conserved. In addition, the in silico prediction for this alteration is inconclusive. Based on the available evidence, the clinical significance of this variant remains unclear.